The following is an entry in ClinVar:

NM_022437.3(ABCG8):c.63G>A (p.Ser21=)

Genes: ABCG5 (ATP binding cassette subfamily G member 5; minus strand), ABCG8 (ATP binding cassette subfamily G member 8; plus strand). Cytogenetic location: 2p21.
Variant type: single nucleotide variant.
Coding change: c.63G>A on transcript NM_022437.3 (MANE Select); coding-DNA position 63, G replaced by A.
Protein change: p.Ser21=; no amino-acid change (serine 21 retained).
Molecular consequence: synonymous variant.
Genome position (GRCh38, 1-based): chr2:43,839,116, G>A. VCF-style: chr2-43839116-G-A. GRCh37 (hg19) VCF-style: chr2-44066255-G-A.
Other names: c.63G>A, p.Ser21= (NM_001357321.2).
Identifiers: ClinVar variation 1753317 (VCV001753317.9), dbSNP rs574659773, ClinGen allele CA1636860.

ClinVar aggregate classification (germline): Uncertain significance. Review status: criteria provided, multiple submitters, no conflicts (2 of 4 stars). 4 submissions from 4 submitters: Uncertain significance (4). Last evaluated 2026-06-19.

Conditions:
ABCG8-related disorder. Also called: ABCG8-related condition.
Cardiovascular phenotype. Identifiers: MedGen CN230736.

Allele frequency attached by ClinVar (database versions not stated): ExAC 0.00015; 1000 Genomes Project 30x 0.00016; 1000 Genomes Project 0.00020.
gnomAD v4.1: 29 of 1,551,178 alleles (0.0019%); highest among the groups gnomAD compares: South Asian, 0.029%; no homozygotes.

Submissions (4):

PreventionGenetics, part of Exact Sciences
Classification: Uncertain significance for ABCG8-related condition. Last evaluated: 2026-06-19. Review status: criteria provided, single submitter. Criteria: ACMG Guidelines, 2015. Collection method: clinical testing. Allele origin: germline.
Comment: The ABCG8 c.63G>A variant is not predicted to result in an amino acid change (p.=). This variant impacts the last nucleotide of exon 1 of the ABCG8 gene, which is part of the consensus splice site for this exon, and this variant is predicted to impact splicing (SpliceAI, Jaganathan et al. 2019. PubMed ID: 30661751). However, the use of computer prediction programs is not equivalent to functional evidence. To our knowledge, this variant has not been reported in the literature. This variant is reported in 0.018% of alleles in individuals of South Asian descent in gnomAD. At this time, the clinical significance of this variant is uncertain due to the absence of conclusive functional and genetic evidence.

Labcorp Genetics (formerly Invitae), Labcorp
Classification: Uncertain significance. Last evaluated: 2026-01-27. Review status: criteria provided, single submitter. Criteria: Invitae Variant Classification Sherloc (09022015). Collection method: clinical testing. Allele origin: germline.
Comment: This sequence change affects codon 21 of the ABCG8 mRNA. It is a 'silent' change, meaning that it does not change the encoded amino acid sequence of the ABCG8 protein. This variant also falls at the last nucleotide of exon 1, which is part of the consensus splice site for this exon. This variant is present in population databases (rs574659773, gnomAD 0.02%). This variant has not been reported in the literature in individuals affected with ABCG8-related conditions. ClinVar contains an entry for this variant (Variation ID: 1753317). Variants that disrupt the consensus splice site are a relatively common cause of aberrant splicing (PMID: 17576681, 9536098). Algorithms developed to predict the effect of sequence changes on RNA splicing suggest that this variant may disrupt the consensus splice site. In summary, the available evidence is currently insufficient to determine the role of this variant in disease. Therefore, it has been classified as a Variant of Uncertain Significance.

Women's Health and Genetics/Laboratory Corporation of America, LabCorp
Classification: Uncertain significance. Last evaluated: 2025-09-19. Review status: criteria provided, single submitter. Criteria: LabCorp Variant Classification Summary - May 2015. Collection method: clinical testing. Allele origin: germline.

Ambry Genetics
Classification: Uncertain significance for Cardiovascular phenotype. Last evaluated: 2021-11-24. Review status: criteria provided, single submitter. Criteria: Ambry Variant Classification Scheme 2023. Collection method: clinical testing. Allele origin: germline.
Comment: The c.63G>A variant (also known as p.S21S), located in coding exon 1 of the ABCG8 gene, results from a G to A substitution at nucleotide position 63. This nucleotide substitution does not change the at codon 21. However, this change occurs in the last base pair of coding exon 1, which makes it likely to have some effect on normal mRNA splicing. This nucleotide position is not well conserved in available vertebrate species. In silico splice site analysis predicts that this alteration will result in the creation or strengthening of a novel splice donor site. Since supporting evidence is limited at this time, the clinical significance of this alteration remains unclear.

Literature cited by the submitters: PubMed 17576681 (cited by Labcorp Genetics (formerly Invitae), Labcorp); PubMed 9536098 (cited by Labcorp Genetics (formerly Invitae), Labcorp).